The following is an entry in ClinVar:

ClinVar aggregate classification (germline): Uncertain significance. Review status: criteria provided, multiple submitters, no conflicts (2 of 4 stars). 5 submissions from 5 submitters: Uncertain significance (5). Last evaluated 2025-10-01.

Conditions:
Hereditary cancer-predisposing syndrome. Also called: Neoplastic Syndromes, Hereditary; Tumor predisposition; Hereditary Cancer Syndrome; Hereditary neoplastic syndrome. Identifiers: Orphanet 140162, MedGen C0027672, MeSH D009386, MONDO:0015356.
Classic or attenuated familial adenomatous polyposis. Identifiers: MedGen CN372698, MONDO:0021057.
Familial adenomatous polyposis 1 (FAP1). Also called: FAMILIAL ADENOMATOUS POLYPOSIS 1, ATTENUATED; POLYPOSIS, ADENOMATOUS INTESTINAL. Identifiers: MedGen C2713442, MONDO:0021056, OMIM 175100. Disease mechanism: loss of function.

Allele frequency attached by ClinVar (database versions not stated): gnomAD exomes below 0.00001; ExAC 0.00001.
gnomAD v4.1: 1 of 1,613,908 alleles (0.000062%); highest among the groups gnomAD compares: Non-Finnish European, 0.000085%; no homozygotes.

Submissions (5):

Labcorp Genetics (formerly Invitae), Labcorp
Classification: Uncertain significance for Familial adenomatous polyposis 1. Last evaluated: 2025-10-01. Review status: criteria provided, single submitter. Criteria: Invitae Variant Classification Sherloc (09022015). Collection method: clinical testing. Allele origin: germline.
Comment: This sequence change replaces methionine, which is neutral and non-polar, with isoleucine, which is neutral and non-polar, at codon 2419 of the APC protein (p.Met2419Ile). This variant is present in population databases (no rsID available, gnomAD 0.0009%). This variant has not been reported in the literature in individuals affected with APC-related conditions. ClinVar contains an entry for this variant (Variation ID: 482424). Invitae Evidence Modeling of protein sequence and biophysical properties (such as structural, functional, and spatial information, amino acid conservation, physicochemical variation, residue mobility, and thermodynamic stability) indicates that this missense variant is not expected to disrupt APC protein function with a negative predictive value of 95%. In summary, the available evidence is currently insufficient to determine the role of this variant in disease. Therefore, it has been classified as a Variant of Uncertain Significance.

Ambry Genetics
Classification: Uncertain significance for Hereditary cancer-predisposing syndrome. Last evaluated: 2025-04-09. Review status: criteria provided, single submitter. Criteria: Ambry Variant Classification Scheme 2023. Collection method: clinical testing. Allele origin: germline.
Comment: The p.M2419I variant (also known as c.7257G>A), located in coding exon 15 of the APC gene, results from a G to A substitution at nucleotide position 7257. The methionine at codon 2419 is replaced by isoleucine, an amino acid with highly similar properties. This amino acid position is highly conserved in available vertebrate species. In addition, in silico predictors for this gene do not accurately predict pathogenicity. Missense alterations in APC are not a common cause of disease (Spier I et al. Genet Med. 2024 Feb;26(2):100992). Based on the available evidence, the clinical significance of this variant remains unclear.

Color Diagnostics, LLC DBA Color Health
Classification: Uncertain significance for Hereditary cancer-predisposing syndrome. Last evaluated: 2024-03-07. Review status: criteria provided, single submitter. Criteria: ACMG Guidelines, 2015. Collection method: clinical testing. Allele origin: germline.
Comment: This missense variant replaces methionine with isoleucine at codon 2419 of the APC protein. Computational prediction suggests that this variant may not impact protein structure and function (internally defined REVEL score threshold <= 0.5, PMID: 27666373). Splice site prediction tools suggest that this variant may not impact RNA splicing. To our knowledge, functional studies have not been performed for this variant. This variant has not been reported in individuals affected with hereditary cancer in the literature. This variant has been identified in 1/250192 chromosomes in the general population by the Genome Aggregation Database (gnomAD). The available evidence is insufficient to determine the role of this variant in disease conclusively. Therefore, this variant is classified as a Variant of Uncertain Significance.

Baylor Genetics
Classification: Uncertain significance for Familial adenomatous polyposis 1. Last evaluated: 2024-03-04. Review status: criteria provided, single submitter. Criteria: ACMG Guidelines, 2015. Collection method: clinical testing. Allele origin: unknown.

All of Us Research Program, National Institutes of Health
Classification: Uncertain significance for Classic or attenuated familial adenomatous polyposis. Last evaluated: 2023-06-28. Review status: criteria provided, single submitter. Criteria: ACMG Guidelines, 2015. Collection method: clinical testing. Allele origin: germline. Inheritance: Autosomal dominant inheritance. Observed: 1 variant allele, 1 heterozygote.
Comment: This missense variant replaces methionine with isoleucine at codon 2419 of the APC protein. Computational prediction suggests that this variant may not impact protein structure and function (internally defined REVEL score threshold <= 0.5, PMID: 27666373). Splice site prediction tools suggest that this variant may not impact RNA splicing. To our knowledge, functional studies have not been performed for this variant. This variant has not been reported in individuals affected with hereditary cancer in the literature. This variant has been identified in 1/250192 chromosomes in the general population by the Genome Aggregation Database (gnomAD). The available evidence is insufficient to determine the role of this variant in disease conclusively. Therefore, this variant is classified as a Variant of Uncertain Significance.

This study involves interpretation of variants in research participants for the purpose of population health screening. Participant phenotype was not available at the time of variant classification. Additional details can be found in publication PMID: 35346344, PMCID: PMC8962531

NM_000038.6(APC):c.7257G>A (p.Met2419Ile)

Gene: APC (APC regulator of Wnt signaling pathway; plus strand). Cytogenetic location: 5q22.2.
Variant type: single nucleotide variant.
Coding change: c.7257G>A on transcript NM_000038.6 (MANE Select); coding-DNA position 7257, G replaced by A.
Protein change: p.Met2419Ile; replaces methionine 2419 with isoleucine.
Molecular consequence: missense variant.
Genome position (GRCh38, 1-based): chr5:112,842,851, G>A. VCF-style: chr5-112842851-G-A. GRCh37 (hg19) VCF-style: chr5-112178548-G-A.
Other names: c.7257G>A, p.Met2419Ile (NM_001127510.3, NM_001354895.2); c.7203G>A, p.Met2401Ile (NM_001127511.3); c.7311G>A, p.Met2437Ile (NM_001354896.2); c.7287G>A, p.Met2429Ile (NM_001354897.2); c.7182G>A, p.Met2394Ile (NM_001354898.2); c.7173G>A, p.Met2391Ile (NM_001354899.2); c.7134G>A, p.Met2378Ile (NM_001354900.2); c.7080G>A, p.Met2360Ile (NM_001354901.2); and 5 more; short protein forms M2401I, M2419I, M2136I, M2293I, M2328I, M2394I, M2360I, M2391I.
Identifiers: ClinVar variation 482424 (VCV000482424.18), dbSNP rs1554088190, ClinGen allele CA3368171.